The following is an entry in ClinVar:

ClinVar aggregate classification (germline): Pathogenic. Review status: criteria provided, multiple submitters, no conflicts (2 of 4 stars). 2 submissions from 2 submitters: Pathogenic (2). Last evaluated 2024-02-24.

Conditions:
Ataxia-telangiectasia syndrome (AT). Also called: Ataxia telangiectasia (A-T); ATAXIA-TELANGIECTASIA, COMPLEMENTATION GROUP A; ATAXIA-TELANGIECTASIA, FRESNO VARIANT; Ataxia-telangiectasia; Ataxia-telangiectasia, complementation group E; LOUIS-BAR SYNDROME. Identifiers: Orphanet 100, MedGen C0004135, MONDO:0008840, OMIM 208900.
Hereditary cancer-predisposing syndrome. Also called: Neoplastic Syndromes, Hereditary; Tumor predisposition; Hereditary Cancer Syndrome; Hereditary neoplastic syndrome. Identifiers: Orphanet 140162, MedGen C0027672, MeSH D009386, MONDO:0015356.

Submissions (2):

Labcorp Genetics (formerly Invitae), Labcorp
Classification: Pathogenic for Ataxia-telangiectasia syndrome. Last evaluated: 2024-02-24. Review status: criteria provided, single submitter. Criteria: Invitae Variant Classification Sherloc (09022015). Collection method: clinical testing. Allele origin: germline.
Comment: This sequence change creates a premature translational stop signal (p.Glu2183*) in the ATM gene. It is expected to result in an absent or disrupted protein product. Loss-of-function variants in ATM are known to be pathogenic (PMID: 23807571, 25614872). This variant is not present in population databases (gnomAD no frequency). This premature translational stop signal has been observed in individual(s) with ataxia-telangiectasia (PMID: 35260754). ClinVar contains an entry for this variant (Variation ID: 1075425). For these reasons, this variant has been classified as Pathogenic.

Ambry Genetics
Classification: Pathogenic for Hereditary cancer-predisposing syndrome. Last evaluated: 2022-07-15. Review status: criteria provided, single submitter. Criteria: Ambry Variant Classification Scheme 2023. Collection method: clinical testing. Allele origin: germline.
Comment: The p.E2183* variant (also known as c.6547G>T), located in coding exon 44 of the ATM gene, results from a G to T substitution at nucleotide position 6547. This changes the amino acid from a glutamic acid to a stop codon within coding exon 44. This alteration has been identified homozygous in individuals with clinical diagnosis of Ataxia Telangiectasia (Madaan P et al. Arch Dis Child, 2021 Jan;106:73); (Rawat A et al. Sci Rep, 2022 03;12:4036). This variant is considered to be rare based on population cohorts in the Genome Aggregation Database (gnomAD). This alteration is expected to result in loss of function by premature protein truncation or nonsense-mediated mRNA decay. As such, this alteration is interpreted as a disease-causing mutation.

Literature cited by the submitters: PubMed 23807571 (cited by Labcorp Genetics (formerly Invitae), Labcorp); PubMed 25614872 (cited by Labcorp Genetics (formerly Invitae), Labcorp); PubMed 35260754 (cited by Labcorp Genetics (formerly Invitae), Labcorp and Ambry Genetics); PubMed 31352369 (cited by Ambry Genetics).

NM_000051.4(ATM):c.6547G>T (p.Glu2183Ter)

Genes: C11orf65 (chromosome 11 open reading frame 65; minus strand), ATM (ATM serine/threonine kinase; plus strand). Cytogenetic location: 11q22.3.
Variant type: single nucleotide variant.
Coding change: c.6547G>T on transcript NM_000051.4 (MANE Select); coding-DNA position 6547, G replaced by T.
Protein change: p.Glu2183Ter; replaces glutamic acid 2183 with a stop codon.
Molecular consequence: nonsense. On other transcripts: intron variant (2).
Genome position (GRCh38, 1-based): chr11:108,321,395, G>T. VCF-style: chr11-108321395-G-T. GRCh37 (hg19) VCF-style: chr11-108192122-G-T.
Other names: c.6547G>T, p.Glu2183Ter (NM_001351834.2); c.641-12324C>A (NM_001330368.2); c.*39-12324C>A (NM_001351110.2); short protein forms E2183*.
Identifiers: ClinVar variation 1075425 (VCV001075425.9), dbSNP rs2085204408, ClinGen allele CA382554321.
Genomic context (GRCh38, chr11:108,321,395, plus strand): 5'-CTTGAGTCTGTGTATTCGCTCTATCCCACACTTAGCAGGTTGCAGGCCATTGGAGAGCTG[G>T]AAAGCATTGGGGAGCTTTTCTCAAGGTATGTAATTCGTATGACTTTGTTATCCTAAAGTG-3'